The following is an entry in ClinVar:

NM_032776.3(JMJD1C):c.1777A>G (p.Lys593Glu)

Gene: JMJD1C (jumonji domain containing 1C; minus strand). Cytogenetic location: 10q21.3.
Variant type: single nucleotide variant.
Coding change: c.1777A>G on transcript NM_032776.3 (MANE Select); coding-DNA position 1777, A replaced by G.
Protein change: p.Lys593Glu; replaces lysine 593 with glutamic acid.
Molecular consequence: missense variant. On other transcripts: non-coding transcript variant (1).
Genome position (GRCh38, 1-based): chr10:63,214,390, T>C on the plus strand (A>G on the coding strand, the complement: JMJD1C is on the minus strand). VCF-style: chr10-63214390-T-C. GRCh37 (hg19) VCF-style: chr10-64974150-T-C.
Other names: c.1231A>G, p.Lys411Glu (NM_001282948.2, NM_001318154.2); c.913A>G, p.Lys305Glu (NM_001318153.2); c.1663A>G, p.Lys555Glu (NM_001322252.2); c.1120A>G, p.Lys374Glu (NM_001322254.2, NM_001322258.2); short protein forms K374E, K593E, K305E, K411E, K555E.
Identifiers: ClinVar variation 967013 (VCV000967013.6), dbSNP rs764088702, ClinGen allele CA5518747.
Genomic context (GRCh38, chr10:63,214,390, plus strand): 5'-GCTTATCTTCCATGACAGAAACTGCACTTAAAGGAGAAATGTAAGAGACATACTTCTCTT[T>C]TTCCATGTTCAAGTGATCATTTCCTGAAGAAGCATTTGTAACACTTGATTGGGTTAGATC-3'
Protein context (NP_116165.1, residues 583-603): SSGNDHLNME[Lys593Glu]EKYVSYISPL

ClinVar aggregate classification (germline): Uncertain significance (1 of 4 stars; one submission).

Conditions:
Early Myoclonic Encephalopathy. Identifiers: MedGen C0270855.

Allele frequency attached by ClinVar (database versions not stated): TOPMed 0.00003; ExAC 0.00002; gnomAD exomes below 0.00001 and 0.00003; gnomAD 0.00002.
gnomAD v4.1: 33 of 1,613,860 alleles (0.002%); highest among the groups gnomAD compares: East Asian, 0.013%; no homozygotes.

Submission:

Labcorp Genetics (formerly Invitae), Labcorp
Classification: Uncertain significance for Early Myoclonic Encephalopathy. Last evaluated: 2024-05-15. Review status: criteria provided, single submitter. Criteria: Invitae Variant Classification Sherloc (09022015). Collection method: clinical testing. Allele origin: germline.
Comment: This sequence change replaces lysine, which is basic and polar, with glutamic acid, which is acidic and polar, at codon 593 of the JMJD1C protein (p.Lys593Glu). This variant is present in population databases (rs764088702, gnomAD 0.03%). This variant has not been reported in the literature in individuals affected with JMJD1C-related conditions. ClinVar contains an entry for this variant (Variation ID: 967013). An algorithm developed to predict the effect of missense changes on protein structure and function (PolyPhen-2) suggests that this variant¬†is likely to be tolerated. In summary, the available evidence is currently insufficient to determine the role of this variant in disease. Therefore, it has been classified as a Variant of Uncertain Significance.